The following is an entry in ClinVar:

NM_144687.4(NLRP12):c.10A>C (p.Thr4Pro)

Gene: NLRP12 (NLR family pyrin domain containing 12; minus strand). Cytogenetic location: 19q13.42.
Variant type: single nucleotide variant.
Coding change: c.10A>C on transcript NM_144687.4 (MANE Select); coding-DNA position 10, A replaced by C.
Protein change: p.Thr4Pro; replaces threonine 4 with proline.
Molecular consequence: missense variant.
Genome position (GRCh38, 1-based): chr19:53,824,165, T>G on the plus strand (A>C on the coding strand, the complement: NLRP12 is on the minus strand). VCF-style: chr19-53824165-T-G. GRCh37 (hg19) VCF-style: chr19-54327419-T-G.
Other names: c.10A>C, p.Thr4Pro (NM_001277126.2, NM_001277129.1); short protein forms T4P.
Identifiers: ClinVar variation 4806424 (VCV004806424.1).
Genomic context (GRCh38, chr19:53,824,165, plus strand): 5'-CCACAGCCTCGAGTTCTTCCAAGTAGGTGGACAGGCGACAGAGGCCGTCCCTGCCTGCGG[T>G]TCGTAGCATGGGGGTGCCGTGAGCCCCAAAGGAGAGGACCTGGAGGCTGAGATGCTCCTA-3'
Protein context (NP_653288.1, residues 1-14): MLR[Thr4Pro]AGRDGLCRLS

ClinVar aggregate classification (germline): Uncertain significance (1 of 4 stars; one submission).

Conditions:
Familial cold autoinflammatory syndrome 2 (FCAS2). Identifiers: Orphanet 247868, MedGen C2673198, MONDO:0012724, OMIM 611762.

gnomAD v4.1: 15 of 1,613,994 alleles (0.00093%); highest among the groups gnomAD compares: Non-Finnish European, 0.0012%; no homozygotes.

Submission:

Labcorp Genetics (formerly Invitae), Labcorp
Classification: Uncertain significance for Familial cold autoinflammatory syndrome 2. Last evaluated: 2025-05-27. Review status: criteria provided, single submitter. Criteria: Invitae Variant Classification Sherloc (09022015). Collection method: clinical testing. Allele origin: germline.
Comment: This sequence change replaces threonine, which is neutral and polar, with proline, which is neutral and non-polar, at codon 4 of the NLRP12 protein (p.Thr4Pro). This variant is not present in population databases (gnomAD no frequency). This variant has not been reported in the literature in individuals affected with NLRP12-related conditions. An algorithm developed to predict the effect of missense changes on protein structure and function outputs the following: PolyPhen-2: "Benign". The proline amino acid residue is found in multiple mammalian species, which suggests that this missense change does not adversely affect protein function. Algorithms developed to predict the effect of sequence changes on RNA splicing suggest that this variant may create or strengthen a splice site. In summary, the available evidence is currently insufficient to determine the role of this variant in disease. Therefore, it has been classified as a Variant of Uncertain Significance.